The following is an entry in ClinVar:

ClinVar aggregate classification (germline): not provided (0 of 4 stars; one submission).

Conditions:
Basal cell nevus syndrome 1 (BCNS1). Also called: GORLIN-GOLTZ SYNDROME; MULTIPLE BASAL CELL NEVI, ODONTOGENIC KERATOCYSTS, AND SKELETAL ANOMALIES. Identifiers: MedGen CN376810, MONDO:0958174, OMIM 109400.

Submission:

ClinVar Staff, National Center for Biotechnology Information (NCBI)
No classification provided. Condition: Basal cell nevus syndrome 1. Review status: no classification provided. Collection method: literature only. Allele origin: germline. Inheritance: Autosomal dominant inheritance. Affected: yes. Observed: 2 variant alleles.
Comment: The amino acids encoded by the deletion are highly conserved (Yu et al., 2024, PubMed 38546523). The authors concluded that the deletion is likely pathogenic.

Literature cited by the submitters: PubMed 38546523.

NM_000264.5(PTCH1):c.3512_3526del (p.Leu1171_Ser1176delinsPro)

Gene: PTCH1 (patched 1; minus strand). Cytogenetic location: 9q22.32.
Variant type: Deletion.
Coding change: c.3512_3526del on transcript NM_000264.5 (MANE Select); coding-DNA positions 3512 to 3526, 15 bases deleted (TTCCCGTGCTTTTGT).
Protein change: p.Leu1171_Ser1176delinsPro.
Molecular consequence: inframe indel. On other transcripts: non-coding transcript variant (1).
Genome position (GRCh38, 1-based): chr9:95,449,864-95,449,878, ACAAAAGCACGGGAA deleted on the plus strand (TTCCCGTGCTTTTGT on the coding strand, the reverse complement: PTCH1 is on the minus strand). VCF-style (leftmost placement, unchanged base first): chr9-95449863-GACAAAAGCACGGGAA-G. GRCh37 (hg19) VCF-style: chr9-98212145-GACAAAAGCACGGGAA-G.
Other names: c.3314_3328del, p.Leu1105_Ser1110delinsPro (NM_001083602.3); c.3509_3523del, p.Leu1170_Ser1175delinsPro (NM_001083603.3); c.3059_3073del, p.Leu1020_Ser1025delinsPro (NM_001083604.3, NM_001083605.3, NM_001083606.3 and 1 more transcripts); c.3356_3370del, p.Leu1119_Ser1124delinsPro (NM_001354918.2).
Identifiers: ClinVar variation 3256115 (VCV003256115.1).